The following is an entry in ClinVar:

ClinVar aggregate classification (germline): Uncertain significance (1 of 4 stars; one submission).

Conditions:
Oligodontia-cancer predisposition syndrome. Also called: TOOTH AGENESIS-COLORECTAL CANCER SYNDROME. Identifiers: Orphanet 300576, MedGen C1837750, MONDO:0012075, OMIM 608615. Disease mechanism: loss of function.

Submission:

Labcorp Genetics (formerly Invitae), Labcorp
Classification: Uncertain significance for Oligodontia-cancer predisposition syndrome. Last evaluated: 2022-07-01. Review status: criteria provided, single submitter. Criteria: Invitae Variant Classification Sherloc (09022015). Collection method: clinical testing. Allele origin: germline.
Comment: In summary, the available evidence is currently insufficient to determine the role of this variant in disease. Therefore, it has been classified as a Variant of Uncertain Significance. Algorithms developed to predict the effect of missense changes on protein structure and function output the following: SIFT: "Tolerated"; PolyPhen-2: "Benign"; Align-GVGD: "Class C0". The serine amino acid residue is found in multiple mammalian species, which suggests that this missense change does not adversely affect protein function. This variant has not been reported in the literature in individuals affected with AXIN2-related conditions. This variant is not present in population databases (gnomAD no frequency). This sequence change replaces asparagine, which is neutral and polar, with serine, which is neutral and polar, at codon 666 of the AXIN2 protein (p.Asn666Ser).

NM_004655.4(AXIN2):c.1997A>G (p.Asn666Ser)

Gene: AXIN2 (axin 2; minus strand). Cytogenetic location: 17q24.1.
Variant type: single nucleotide variant.
Coding change: c.1997A>G on transcript NM_004655.4 (MANE Select); coding-DNA position 1997, A replaced by G.
Protein change: p.Asn666Ser; replaces asparagine 666 with serine.
Molecular consequence: missense variant.
Genome position (GRCh38, 1-based): chr17:65,536,464, T>C on the plus strand (A>G on the coding strand, the complement: AXIN2 is on the minus strand). VCF-style: chr17-65536464-T-C. GRCh37 (hg19) VCF-style: chr17-63532582-T-C.
Other names: c.1802A>G, p.Asn601Ser (NM_001363813.1); short protein forms N601S, N666S.
Identifiers: ClinVar variation 2012916 (VCV002012916.4), dbSNP rs2144442524, ClinGen allele CA400676185.